The following is an entry in ClinVar:

NC_000016.9:g.(?_89842140)_(89846375_?)del

Gene: FANCA (FA complementation group A; minus strand). Cytogenetic location: 16q24.3.
Variant type: Deletion.
Identifiers: ClinVar variation 1073175 (VCV001073175.7).

ClinVar aggregate classification (germline): Pathogenic (1 of 4 stars; one submission).

Conditions:
Fanconi anemia (FA). Also called: Fanconi's anemia. Identifiers: Orphanet 84, MedGen C0015625, MeSH D005199, MONDO:0019391.

Submission:

Labcorp Genetics (formerly Invitae), Labcorp
Classification: Pathogenic for Fanconi anemia. Last evaluated: 2022-09-01. Review status: criteria provided, single submitter. Criteria: Invitae Variant Classification Sherloc (09022015). Collection method: clinical testing. Allele origin: germline.
Comment: This variant is a gross deletion of the genomic region encompassing exon(s) 18-21 of the FANCA gene. This deletion is out-of-frame, and is expected to create a premature termination codon and result in an absent or disrupted protein product. Loss-of-function variants in FANCA are known to be pathogenic (PMID: 19367192). A similar copy number variant has been observed in individuals with Fanconi anemia (PMID: 10521298, 17924555, 29098742). For these reasons, this variant has been classified as Pathogenic.

Literature cited by the submitters: PubMed 19367192; PubMed 10521298; PubMed 17924555; PubMed 29098742.